The following is an entry in ClinVar:

NM_014314.4(RIGI):c.1990C>T (p.Arg664Cys)

Gene: RIGI (RNA sensor RIG-I; minus strand). Cytogenetic location: 9p21.1.
Variant type: single nucleotide variant.
Coding change: c.1990C>T on transcript NM_014314.4 (MANE Select); coding-DNA position 1990, C replaced by T.
Protein change: p.Arg664Cys; replaces arginine 664 with cysteine.
Molecular consequence: missense variant.
Genome position (GRCh38, 1-based): chr9:32,472,999, G>A on the plus strand (C>T on the coding strand, the complement: RIGI is on the minus strand). VCF-style: chr9-32472999-G-A. GRCh37 (hg19) VCF-style: chr9-32472997-G-A.
Other names: c.1984C>T, p.Arg662Cys (NM_001385907.1); c.1990C>T, p.Arg664Cys (NM_001385909.1); c.1549C>T, p.Arg517Cys (NM_001385910.1); c.1381C>T, p.Arg461Cys (NM_001385912.1); c.1975C>T, p.Arg659Cys (NM_001385913.1); c.1546C>T, p.Arg516Cys (NM_001385914.1); short protein forms R516C, R517C, R659C, R461C, R662C, R664C.
Identifiers: ClinVar variation 1899729 (VCV001899729.5), dbSNP rs139726764, ClinGen allele CA5019620.
Genomic context (GRCh38, chr9:32,472,999, plus strand): 5'-ATAATCCACTAAATCTAATTCACTATATATAAATACCTGTGTTCTGATTTGTTTTGCCAC[G>A]TCCAGTCAATATGCCAGGTTTTAGAAAACTGAGTTTAGGATTTCCTTCAATCCAATTTTT-3'
Protein context (NP_055129.2, residues 654-674): SFLKPGILTG[Arg664Cys]GKTNQNTGMT

ClinVar aggregate classification (germline): Uncertain significance (1 of 4 stars; one submission).

Allele frequency attached by ClinVar (database versions not stated): gnomAD 0.00001; ExAC 0.00003; ESP Exome Variant Server 0.00008.
gnomAD v4.1: 15 of 1,608,956 alleles (0.00093%); highest among the groups gnomAD compares: East Asian, 0.0045%; no homozygotes.

Submission:

Labcorp Genetics (formerly Invitae), Labcorp
Classification: Uncertain significance. Last evaluated: 2024-11-26. Review status: criteria provided, single submitter. Criteria: Invitae Variant Classification Sherloc (09022015). Collection method: clinical testing. Allele origin: germline.
Comment: This sequence change replaces arginine, which is basic and polar, with cysteine, which is neutral and slightly polar, at codon 664 of the DDX58 protein (p.Arg664Cys). This variant is present in population databases (rs139726764, gnomAD 0.006%). This variant has not been reported in the literature in individuals affected with DDX58-related conditions. ClinVar contains an entry for this variant (Variation ID: 1899729). Invitae Evidence Modeling of protein sequence and biophysical properties (such as structural, functional, and spatial information, amino acid conservation, physicochemical variation, residue mobility, and thermodynamic stability) indicates that this missense variant is expected to disrupt DDX58 protein function with a positive predictive value of 80%. In summary, the available evidence is currently insufficient to determine the role of this variant in disease. Therefore, it has been classified as a Variant of Uncertain Significance.